The following is an entry in ClinVar:

ClinVar aggregate classification (germline): Uncertain significance (1 of 4 stars; one submission).

Conditions:
DNA ligase IV deficiency. Identifiers: Orphanet 99812, MedGen C1847827, MONDO:0011686, OMIM 606593.

Allele frequency attached by ClinVar (database versions not stated): TOPMed below 0.00001; gnomAD 0.00001.

Submission:

Labcorp Genetics (formerly Invitae), Labcorp
Classification: Uncertain significance for DNA ligase IV deficiency. Last evaluated: 2021-12-29. Review status: criteria provided, single submitter. Criteria: Invitae Variant Classification Sherloc (09022015). Collection method: clinical testing. Allele origin: germline.
Comment: This sequence change replaces threonine, which is neutral and polar, with alanine, which is neutral and non-polar, at codon 817 of the LIG4 protein (p.Thr817Ala). This variant is present in population databases (rs779103198, gnomAD 0.002%). This variant has not been reported in the literature in individuals affected with LIG4-related conditions. Algorithms developed to predict the effect of missense changes on protein structure and function output the following: SIFT: "Tolerated"; PolyPhen-2: "Benign"; Align-GVGD: "Class C0". The alanine amino acid residue is found in multiple mammalian species, which suggests that this missense change does not adversely affect protein function. In summary, the available evidence is currently insufficient to determine the role of this variant in disease. Therefore, it has been classified as a Variant of Uncertain Significance.

NM_206937.2(LIG4):c.2449A>G (p.Thr817Ala)

Gene: LIG4 (DNA ligase 4; minus strand). Cytogenetic location: 13q33.3.
Variant type: single nucleotide variant.
Coding change: c.2449A>G on transcript NM_206937.2 (MANE Select); coding-DNA position 2449, A replaced by G.
Protein change: p.Thr817Ala; replaces threonine 817 with alanine.
Molecular consequence: missense variant.
Genome position (GRCh38, 1-based): chr13:108,208,820, T>C on the plus strand (A>G on the coding strand, the complement: LIG4 is on the minus strand). VCF-style: chr13-108208820-T-C. GRCh37 (hg19) VCF-style: chr13-108861168-T-C.
Other names: c.2449A>G, p.Thr817Ala (NM_001098268.2, NM_001352598.2, NM_001352599.2 and 6 more transcripts); c.2248A>G, p.Thr750Ala (NM_001330595.2); c.2485A>G, p.Thr829Ala (NM_001352604.2); short protein forms T750A, T829A, T817A.
Identifiers: ClinVar variation 2151954 (VCV002151954.1), dbSNP rs779103198, ClinGen allele CA7043494.